The following is an entry in ClinVar:

ClinVar aggregate classification (germline): Pathogenic (1 of 4 stars; one submission).

Conditions:
Kleefstra syndrome 1 (KLEFS1). Identifiers: Orphanet 261494, MedGen C0795833, MONDO:0027407, OMIM 610253.

Submission:

Laboratory of Genetics, Children's Clinical University Hospital Latvia
Classification: Pathogenic for Kleefstra syndrome 1. Review status: criteria provided, single submitter. Criteria: ACMG Guidelines, 2015. Collection method: curation. Allele origin: germline. Affected: yes.
Comment: Inheritance unknown

Literature cited by the submitters: PubMed 39013458.

NM_024757.5(EHMT1):c.2587C>T (p.Gln863Ter)

Gene: EHMT1 (euchromatic histone lysine methyltransferase 1; plus strand). Cytogenetic location: 9q34.3.
Variant type: single nucleotide variant.
Coding change: c.2587C>T on transcript NM_024757.5 (MANE Select); coding-DNA position 2587, C replaced by T.
Protein change: p.Gln863Ter; replaces glutamine 863 with a stop codon.
Molecular consequence: nonsense.
Genome position (GRCh38, 1-based): chr9:137,798,894, C>T. VCF-style: chr9-137798894-C-T. GRCh37 (hg19) VCF-style: chr9-140693346-C-T.
Other names: c.2566C>T, p.Gln856Ter (NM_001354263.2); short protein forms Q856*, Q863*.
Identifiers: ClinVar variation 3236870 (VCV003236870.1).
Genomic context (GRCh38, chr9:137,798,894, plus strand): 5'-TTGCACCTGGCTGCCAAGAAAGGCCACTACGAAGTGGTCCAGTACCTGCTTTCAAATGGA[C>T]AGATGGACGTCAACTGTCAGGTACAGCCACCCCCTCCCCTTAGCAGTACACTGTGTGGAC-3'